The following is an entry in ClinVar:

NM_004415.4(DSP):c.3767T>A (p.Leu1256His)

Gene: DSP (desmoplakin; plus strand). Cytogenetic location: 6p24.3.
Variant type: single nucleotide variant.
Coding change: c.3767T>A on transcript NM_004415.4 (MANE Select); coding-DNA position 3767, T replaced by A.
Protein change: p.Leu1256His; replaces leucine 1256 with histidine.
Molecular consequence: missense variant. On other transcripts: intron variant (1).
Genome position (GRCh38, 1-based): chr6:7,579,957, T>A. VCF-style: chr6-7579957-T-A. GRCh37 (hg19) VCF-style: chr6-7580190-T-A.
Other names: c.3767T>A, p.Leu1256His (NM_001319034.2); c.3582+185T>A (NM_001008844.3); short protein forms L1256H.
Identifiers: ClinVar variation 4785804 (VCV004785804.1).

ClinVar aggregate classification (germline): Uncertain significance (1 of 4 stars; one submission).

Conditions:
Arrhythmogenic cardiomyopathy with wooly hair and keratoderma. Also called: Carvajal syndrome; PALMOPLANTAR KERATODERMA WITH LEFT VENTRICULAR CARDIOMYOPATHY AND WOOLLY HAIR; Dilated cardiomyopathy with woolly hair and keratoderma; Arrhythmogenic cardiomyopathy with woolly hair and keratoderma. Identifiers: Orphanet 65282, MedGen C1854063, MONDO:0011581, OMIM 605676.
Arrhythmogenic right ventricular dysplasia 8 (ARVD8). Also called: Arrhythmogenic Right Ventricular Dysplasia/Cardiomyopathy 8; ARRHYTHMOGENIC RIGHT VENTRICULAR DYSPLASIA, FAMILIAL, 8; ARRHYTHMOGENIC RIGHT VENTRICULAR CARDIOMYOPATHY 8. Identifiers: MedGen C1843896, MONDO:0011831, OMIM 607450.

gnomAD v4.1: 1 of 1,614,110 alleles (0.000062%); highest among the groups gnomAD compares: Non-Finnish European, 0.000085%; no homozygotes.

Submission:

Labcorp Genetics (formerly Invitae), Labcorp
Classification: Uncertain significance for Arrhythmogenic cardiomyopathy with wooly hair and keratoderma; Arrhythmogenic right ventricular dysplasia 8. Last evaluated: 2025-08-06. Review status: criteria provided, single submitter. Criteria: Invitae Variant Classification Sherloc (09022015). Collection method: clinical testing. Allele origin: germline.
Comment: This sequence change replaces leucine, which is neutral and non-polar, with histidine, which is basic and polar, at codon 1256 of the DSP protein (p.Leu1256His). This variant is not present in population databases (gnomAD no frequency). This variant has not been reported in the literature in individuals affected with DSP-related conditions. An algorithm developed to predict the effect of missense changes on protein structure and function (PolyPhen-2) suggests that this variant is likely to be disruptive. In summary, the available evidence is currently insufficient to determine the role of this variant in disease. Therefore, it has been classified as a Variant of Uncertain Significance.